The following is an entry in ClinVar:

ClinVar aggregate classification (germline): Uncertain significance. Review status: criteria provided, multiple submitters, no conflicts (2 of 4 stars). 3 submissions from 3 submitters: Uncertain significance (3). Last evaluated 2022-08-09.

Conditions:
Cardiovascular phenotype. Identifiers: MedGen CN230736.
Hereditary cancer-predisposing syndrome. Also called: Hereditary neoplastic syndrome; Neoplastic Syndromes, Hereditary; Tumor predisposition; Hereditary Cancer Syndrome. Identifiers: Orphanet 140162, MedGen C0027672, MeSH D009386, MONDO:0015356.
Neurofibromatosis, type 1 (NF1). Also called: VON RECKLINGHAUSEN DISEASE; Peripheral type neurofibromatosis; NEUROFIBROMATOSIS, TYPE I, SOMATIC; Neurofibromatosis, type I. Identifiers: Orphanet 636, MedGen C0027831, MONDO:0018975, OMIM 162200. Disease mechanism: loss of function.

Submissions (3):

Labcorp Genetics (formerly Invitae), Labcorp
Classification: Uncertain significance for Neurofibromatosis, type 1. Last evaluated: 2022-08-09. Review status: criteria provided, single submitter. Criteria: Invitae Variant Classification Sherloc (09022015). Collection method: clinical testing. Allele origin: germline.
Comment: This sequence change replaces valine, which is neutral and non-polar, with leucine, which is neutral and non-polar, at codon 2551 of the NF1 protein (p.Val2551Leu). This variant is not present in population databases (gnomAD no frequency). This variant has not been reported in the literature in individuals affected with NF1-related conditions. ClinVar contains an entry for this variant (Variation ID: 480213). Algorithms developed to predict the effect of missense changes on protein structure and function are either unavailable or do not agree on the potential impact of this missense change (SIFT: "Tolerated"; PolyPhen-2: "Probably Damaging"; Align-GVGD: "Class C0"). In summary, the available evidence is currently insufficient to determine the role of this variant in disease. Therefore, it has been classified as a Variant of Uncertain Significance.

Genome-Nilou Lab
Classification: Uncertain significance for Neurofibromatosis, type 1. Last evaluated: 2022-03-15. Review status: criteria provided, single submitter. Criteria: ACMG Guidelines, 2015. Collection method: clinical testing. Allele origin: germline. Affected: no.

Ambry Genetics
Classification: Uncertain significance for Cardiovascular phenotype; Hereditary cancer-predisposing syndrome. Last evaluated: 2017-06-06. Review status: criteria provided, single submitter. Criteria: Ambry Variant Classification Scheme 2023. Collection method: clinical testing. Allele origin: germline.
Comment: The p.V2551L variant (also known as c.7651G>C), located in coding exon 51 of the NF1 gene, results from a G to C substitution at nucleotide position 7651. The valine at codon 2551 is replaced by leucine, an amino acid with highly similar properties. This amino acid position is highly conserved in available vertebrate species. In addition, this alteration is predicted to be tolerated by in silico analysis. Since supporting evidence is limited at this time, the clinical significance of this alteration remains unclear.

NM_001042492.3(NF1):c.7714G>C (p.Val2572Leu)

Gene: NF1 (neurofibromin 1; plus strand). Cytogenetic location: 17q11.2.
Variant type: single nucleotide variant.
Coding change: c.7714G>C on transcript NM_001042492.3 (MANE Select); coding-DNA position 7714, G replaced by C.
Protein change: p.Val2572Leu; replaces valine 2572 with leucine.
Molecular consequence: missense variant.
Genome position (GRCh38, 1-based): chr17:31,356,558, G>C. VCF-style: chr17-31356558-G-C. GRCh37 (hg19) VCF-style: chr17-29683576-G-C.
Other names: c.7651G>C, p.Val2551Leu (NM_000267.4); short protein forms V2551L, V2572L.
Identifiers: ClinVar variation 480213 (VCV000480213.12), dbSNP rs1555536652, ClinGen allele CA399018189.